The following is an entry in ClinVar:

ClinVar aggregate classification (germline): Pathogenic. Review status: reviewed by expert panel (3 of 4 stars). 6 submissions from 6 submitters: Pathogenic (1). 5 of the submissions do not count toward it. Last evaluated 2016-10-18.

Conditions:
Hereditary breast ovarian cancer syndrome. Also called: Hereditary breast and ovarian cancer syndrome; Hereditary breast and ovarian cancer; Hereditary breast and ovarian cancer syndrome (HBOC); Breast and ovarian cancer; Hereditary breast and/or ovarian cancer syndrome; BRCA1- and BRCA2-Associated Hereditary Breast and Ovarian Cancer. Identifiers: Orphanet 145, MedGen C0677776, MeSH D061325, MONDO:0003582. Disease mechanism: loss of function.
Inherited breast cancer and ovarian cancer.
Malignant tumor of breast. Also called: Malignant breast neoplasm; Cancer breast. Identifiers: MedGen C0006142, MONDO:0007254. Disease mechanism: loss of function.
Hereditary cancer-predisposing syndrome. Also called: Neoplastic Syndromes, Hereditary; Tumor predisposition; Hereditary neoplastic syndrome; Hereditary Cancer Syndrome. Identifiers: Orphanet 140162, MedGen C0027672, MeSH D009386, MONDO:0015356.
Breast-ovarian cancer, familial, susceptibility to, 2 (BROVCA2). Also called: BRCA2 Hereditary Breast and Ovarian Cancer. Identifiers: Orphanet 145, MedGen C2675520, MONDO:0012933, OMIM 612555. Disease mechanism: loss of function.

Submissions (6):

Evidence-based Network for the Interpretation of Germline Mutant Alleles (ENIGMA)
Classification: Pathogenic for Breast-ovarian cancer, familial, susceptibility to, 2. Last evaluated: 2016-10-18. Review status: reviewed by expert panel. Criteria: ENIGMA BRCA1/2 Classification Criteria (2015). Collection method: curation. Allele origin: germline.
Comment: Variant allele predicted to encode a truncated non-functional protein.

Cambridge Genomics Laboratory, East Genomic Laboratory Hub, NHS Genomic Medicine Service
Classification: Pathogenic for Inherited breast cancer and ovarian cancer. Last evaluated: 2025-03-10. Review status: criteria provided, single submitter. Criteria: ACGS Best Practice Guidelines for Variant Classification in Rare Disease 2020. Collection method: clinical testing. Allele origin: germline. Affected: yes. Not counted in ClinVar's aggregate classification.
Comment: PVS1,PM2,PM5_Strong

Ambry Genetics
Classification: Pathogenic for Hereditary cancer-predisposing syndrome. Last evaluated: 2023-03-23. Review status: criteria provided, single submitter. Criteria: Ambry Variant Classification Scheme 2023. Collection method: clinical testing. Allele origin: germline. Not counted in ClinVar's aggregate classification.
Comment: The c.7183delC pathogenic mutation, located in coding exon 13 of the BRCA2 gene, results from a deletion of one nucleotide at nucleotide position 7183, causing a translational frameshift with a predicted alternate stop codon (p.H2395Tfs*2). This variant is considered to be rare based on population cohorts in the Genome Aggregation Database (gnomAD). This alteration is expected to result in loss of function by premature protein truncation or nonsense-mediated mRNA decay. As such, this alteration is interpreted as a disease-causing mutation.

Consortium of Investigators of Modifiers of BRCA1/2 (CIMBA), c/o University of Cambridge
Classification: Pathogenic for Breast-ovarian cancer, familial, susceptibility to, 2. Last evaluated: 2015-10-02. Review status: criteria provided, single submitter. Criteria: CIMBA Mutation Classification guidelines May 2016. Collection method: clinical testing. Allele origin: germline. Not counted in ClinVar's aggregate classification.

Research Molecular Genetics Laboratory, Women's College Hospital, University of Toronto
Classification: Pathogenic for Hereditary breast ovarian cancer syndrome. Last evaluated: 2014-01-31. Review status: no assertion criteria provided. Collection method: research. Allele origin: germline. Affected: yes. Study: The Canadian Open Genetics Repository (COGR). Not counted in ClinVar's aggregate classification.

Department of Pathology and Laboratory Medicine, Sinai Health System
Classification: Pathogenic for Malignant tumor of breast. Review status: no assertion criteria provided. Collection method: clinical testing. Allele origin: unknown. Affected: yes. Study: The Canadian Open Genetics Repository (COGR). Not counted in ClinVar's aggregate classification.
Comment: The BRCA2 p.His2395ThrfsX2 variant was identified in the literature in a hereditary breast and ovarian cancer family (Lubinski 2004). The variant was also identified in dbSNP (ID: rs397507900), the ClinVar database (submitted by Invitae with no classification provided), ARUP Laboratories BRCA Mutation Database (classified as "definitely pathogenic"), and the GeneInsight VariantWire database (classified as â€šÃ„Ãºpathogenicâ€šÃ„Ã¹ by a clinical laboratory). The c.7183delC variant is predicted to cause a frameshift, which alters the protein's amino acid sequence beginning at codon 2395 and leads to a premature stop codon at position 2396. This alteration is then predicted to result in a truncated or absent protein and loss of function. Loss of function variants of the BRCA2 gene are an established mechanism of disease in hereditary breast and ovarian cancer and is the type of variant expected to cause the disorder. In summary, based on the above information, this variant meets our laboratoryâ€šÃ„Ã´s criteria to be classified as pathogenic.

NM_000059.4(BRCA2):c.7183del (p.His2395fs)

Gene: BRCA2 (BRCA2 DNA repair associated; plus strand). Cytogenetic location: 13q13.1.
Variant type: Deletion.
Coding change: c.7183del on transcript NM_000059.4 (MANE Select); coding-DNA position 7183, one base deleted (C; older notation c.7183delC).
Protein change: p.His2395fs; shifts the reading frame from histidine 2395.
Molecular consequence: frameshift variant.
Genome position (GRCh38, 1-based): chr13:32,355,036, C deleted. VCF-style (leftmost placement, unchanged base first): chr13-32355035-AC-A. GRCh37 (hg19) VCF-style: chr13-32929172-AC-A.
Other names: 7411delC; c.7183delC (NM_000059.3).
Identifiers: ClinVar variation 52281 (VCV000052281.11), dbSNP rs397507900, ClinGen allele CA024933.